The following is an entry in ClinVar:

ClinVar aggregate classification (germline): Uncertain significance (1 of 4 stars; one submission).

Submission:

GeneDx
Classification: Uncertain significance. Last evaluated: 2025-05-14. Review status: criteria provided, single submitter. Criteria: GeneDx Variant Classification Process June 2021. Collection method: clinical testing. Allele origin: germline. Affected: yes.
Comment: Not observed at significant frequency in large population cohorts (gnomAD); In silico analysis supports that this missense variant has a deleterious effect on protein structure/function; Has not been previously published as pathogenic or benign to our knowledge

NM_002474.3(MYH11):c.4750G>A (p.Asp1584Asn)

Genes: MYH11 (myosin heavy chain 11; minus strand), NDE1 (nudE neurodevelopment protein 1; plus strand). Cytogenetic location: 16p13.11.
Variant type: single nucleotide variant.
Coding change: c.4750G>A on transcript NM_002474.3 (MANE Select); coding-DNA position 4750, G replaced by A.
Protein change: p.Asp1584Asn; replaces aspartic acid 1584 with asparagine.
Molecular consequence: missense variant. On other transcripts: intron variant (2).
Genome position (GRCh38, 1-based): chr16:15,720,880, C>T on the plus strand (G>A on the coding strand, the complement: MYH11 is on the minus strand). VCF-style: chr16-15720880-C-T. GRCh37 (hg19) VCF-style: chr16-15814737-C-T.
Other names: c.4771G>A, p.Asp1591Asn (NM_001040113.2, NM_001040114.2); c.4750G>A, p.Asp1584Asn (NM_022844.3); c.948-3311C>T (NM_001143979.2, NM_017668.3); short protein forms D1584N, D1591N.
Identifiers: ClinVar variation 4529942 (VCV004529942.1).
Genomic context (GRCh38, chr16:15,720,880, plus strand): 5'-CCTCCCCGGCAGCACGCACCTGTCTCTGCAGTTGCCTCCTCTTCTCCTCATTCTGCTCGT[C>T]CCGGGCTTGGAGATCCCTTTCGAACTGGCCCTTGAGCGCCTGCATGTTGACTTCCAGCCG-3'
Protein context (NP_002465.1, residues 1574-1594): GQFERDLQAR[Asp1584Asn]EQNEEKRRQL